The following is an entry in ClinVar:

ClinVar aggregate classification (germline): Uncertain significance. Review status: criteria provided, multiple submitters, no conflicts (2 of 4 stars). 4 submissions from 4 submitters: Uncertain significance (4). Last evaluated 2024-10-08.

Conditions:
Hereditary cancer-predisposing syndrome. Also called: Neoplastic Syndromes, Hereditary; Hereditary neoplastic syndrome; Hereditary Cancer Syndrome; Tumor predisposition. Identifiers: Orphanet 140162, MedGen C0027672, MeSH D009386, MONDO:0015356.
Tuberous sclerosis syndrome (TSC). Also called: Tuberous Sclerosis Complex; Tuberous sclerosis. Identifiers: Orphanet 805, MedGen C0041341, MONDO:0001734.
Tuberous sclerosis 2 (TSC2). Identifiers: Orphanet 805, MedGen C1860707, MONDO:0013199, OMIM 613254.

Submissions (4):

Labcorp Genetics (formerly Invitae), Labcorp
Classification: Uncertain significance for Tuberous sclerosis 2. Last evaluated: 2024-10-08. Review status: criteria provided, single submitter. Criteria: Invitae Variant Classification Sherloc (09022015). Collection method: clinical testing. Allele origin: germline.
Comment: This sequence change replaces arginine, which is basic and polar, with lysine, which is basic and polar, at codon 406 of the TSC2 protein (p.Arg406Lys). This variant is not present in population databases (gnomAD no frequency). This variant has not been reported in the literature in individuals affected with TSC2-related conditions. ClinVar contains an entry for this variant (Variation ID: 947212). Invitae Evidence Modeling of protein sequence and biophysical properties (such as structural, functional, and spatial information, amino acid conservation, physicochemical variation, residue mobility, and thermodynamic stability) indicates that this missense variant is not expected to disrupt TSC2 protein function with a negative predictive value of 95%. In summary, the available evidence is currently insufficient to determine the role of this variant in disease. Therefore, it has been classified as a Variant of Uncertain Significance.

All of Us Research Program, National Institutes of Health
Classification: Uncertain significance for Tuberous sclerosis syndrome. Last evaluated: 2023-05-16. Review status: criteria provided, single submitter. Criteria: ACMG Guidelines, 2015. Collection method: clinical testing. Allele origin: germline. Inheritance: Autosomal dominant inheritance. Observed: 1 variant allele, 1 heterozygote.
Comment: This missense variant replaces arginine with lysine at codon 406 of the TSC2 protein. Computational prediction suggests that this variant may not impact protein structure and function (internally defined REVEL score threshold <= 0.5, PMID: 27666373). To our knowledge, functional studies have not been reported for this variant. This variant has not been reported in individuals affected with tuberous sclerosis complex in the literature. This variant has not been identified in the general population by the Genome Aggregation Database (gnomAD). The available evidence is insufficient to determine the role of this variant in disease conclusively. Therefore, this variant is classified as a Variant of Uncertain Significance.

This study involves interpretation of variants in research participants for the purpose of population health screening. Participant phenotype was not available at the time of variant classification. Additional details can be found in publication PMID: 35346344, PMCID: PMC8962531

Ambry Genetics
Classification: Uncertain significance for Hereditary cancer-predisposing syndrome. Last evaluated: 2023-04-18. Review status: criteria provided, single submitter. Criteria: Ambry Variant Classification Scheme 2023. Collection method: clinical testing. Allele origin: germline.
Comment: The p.R406K variant (also known as c.1217G>A), located in coding exon 11 of the TSC2 gene, results from a G to A substitution at nucleotide position 1217. The arginine at codon 406 is replaced by lysine, an amino acid with highly similar properties. This amino acid position is conserved. In addition, the in silico prediction for this alteration is inconclusive. Since supporting evidence is limited at this time, the clinical significance of this alteration remains unclear.

GeneDx
Classification: Uncertain significance. Last evaluated: 2023-01-05. Review status: criteria provided, single submitter. Criteria: GeneDx Variant Classification Process June 2021. Collection method: clinical testing. Allele origin: germline. Affected: yes.
Comment: Not observed at significant frequency in large population cohorts (gnomAD); In silico analysis supports that this missense variant does not alter protein structure/function; Has not been previously published as pathogenic or benign to our knowledge; This variant is associated with the following publications: (PMID: 18466115)

NM_000548.5(TSC2):c.1217G>A (p.Arg406Lys)

Gene: TSC2 (TSC complex subunit 2; plus strand). Cytogenetic location: 16p13.3.
Variant type: single nucleotide variant.
Coding change: c.1217G>A on transcript NM_000548.5 (MANE Select); coding-DNA position 1217, G replaced by A.
Protein change: p.Arg406Lys; replaces arginine 406 with lysine.
Molecular consequence: missense variant.
Genome position (GRCh38, 1-based): chr16:2,061,968, G>A. VCF-style: chr16-2061968-G-A. GRCh37 (hg19) VCF-style: chr16-2111969-G-A.
Other names: c.1217G>A, p.Arg406Lys (NM_001077183.3, NM_001114382.3, NM_001363528.2 and 3 more transcripts); c.1106G>A, p.Arg369Lys (NM_001318827.2); c.1070G>A, p.Arg357Lys (NM_001318829.2); c.617G>A, p.Arg206Lys (NM_001318831.2); c.1250G>A, p.Arg417Lys (NM_001318832.2); short protein forms R357K, R406K, R417K, R206K, R369K.
Identifiers: ClinVar variation 947212 (VCV000947212.13), dbSNP rs2086693907, ClinGen allele CA394321093.